The following is an entry in ClinVar:

ClinVar aggregate classification (germline): Uncertain significance (1 of 4 stars; one submission).

Allele frequency attached by ClinVar (database versions not stated): ExAC 0.00001; gnomAD 0.00001; gnomAD exomes 0.00001; TOPMed 0.00001.
gnomAD v4.1: 67 of 1,612,204 alleles (0.0042%); highest among the groups gnomAD compares: Non-Finnish European, 0.0055%; no homozygotes.

Submission:

Labcorp Genetics (formerly Invitae), Labcorp
Classification: Uncertain significance. Last evaluated: 2022-03-23. Review status: criteria provided, single submitter. Criteria: Invitae Variant Classification Sherloc (09022015). Collection method: clinical testing. Allele origin: germline.
Comment: This sequence change replaces glycine, which is neutral and non-polar, with valine, which is neutral and non-polar, at codon 760 of the CCDC88A protein (p.Gly760Val). This variant is present in population databases (rs766080231, gnomAD 0.0009%). This variant has not been reported in the literature in individuals affected with CCDC88A-related conditions. Algorithms developed to predict the effect of missense changes on protein structure and function are either unavailable or do not agree on the potential impact of this missense change (SIFT: "Tolerated"; PolyPhen-2: "Probably Damaging"; Align-GVGD: "Class C0"). Algorithms developed to predict the effect of sequence changes on RNA splicing suggest that this variant may create or strengthen a splice site. In summary, the available evidence is currently insufficient to determine the role of this variant in disease. Therefore, it has been classified as a Variant of Uncertain Significance.

NM_001365480.1(CCDC88A):c.2279G>T (p.Gly760Val)

Gene: CCDC88A (coiled-coil domain containing 88A; minus strand). Cytogenetic location: 2p16.1.
Variant type: single nucleotide variant.
Coding change: c.2279G>T on transcript NM_001365480.1 (MANE Select); coding-DNA position 2279, G replaced by T.
Protein change: p.Gly760Val; replaces glycine 760 with valine.
Molecular consequence: missense variant.
Genome position (GRCh38, 1-based): chr2:55,334,542, C>A on the plus strand (G>T on the coding strand, the complement: CCDC88A is on the minus strand). VCF-style: chr2-55334542-C-A. GRCh37 (hg19) VCF-style: chr2-55561678-C-A.
Other names: c.2279G>T, p.Gly760Val (NM_001135597.2, NM_001254943.2, NM_018084.5); short protein forms G760V.
Identifiers: ClinVar variation 1507807 (VCV001507807.5), dbSNP rs766080231, ClinGen allele CA1666002.